The following is an entry in ClinVar:

NM_014585.6(SLC40A1):c.476TTG[5] (p.Val162dup)

Gene: SLC40A1 (solute carrier family 40 member 1; minus strand). Cytogenetic location: 2q32.2.
Variant type: Microsatellite.
Coding change: c.476TTG[5] on transcript NM_014585.6 (MANE Select); five copies in a row of the 3-base unit TTG starting at c.476; the reference has four copies in a row; one copy, 3 bases duplicated.
Protein change: p.Val162dup; duplicates valine 162.
Molecular consequence: inframe insertion.
Genome position (GRCh38, 1-based): chr2:189,571,742-189,571,744, CAA duplicated on the plus strand (TTG on the coding strand, the reverse complement: SLC40A1 is on the minus strand); duplicating any 3 consecutive bases within chr2:189,571,742-189,571,753 gives the same sequence; the position shown is the placement nearest the transcript's 3' end. VCF-style (leftmost placement, unchanged base first): chr2-189571741-G-GCAA. GRCh37 (hg19) VCF-style: chr2-190436467-G-GCAA.
Other names: c.485_487dupTTG (NM_014585.5).
Identifiers: ClinVar variation 240919 (VCV000240919.6), dbSNP rs878854984, ClinGen allele CA10581909.

ClinVar aggregate classification (germline): Uncertain significance (1 of 4 stars; one submission).

Conditions:
Hemochromatosis type 4 (HFE4). Also called: HEMOCHROMATOSIS DUE TO DEFECT IN FERROPORTIN; HEMOCHROMATOSIS, AUTOSOMAL DOMINANT; Ferroportin disease. Identifiers: Orphanet 139491, Orphanet 647834, Orphanet 648562, MedGen C1853733, MONDO:0011631, OMIM 606069.

Submission:

Labcorp Genetics (formerly Invitae), Labcorp
Classification: Uncertain significance for Hemochromatosis type 4. Last evaluated: 2015-11-26. Review status: criteria provided, single submitter. Criteria: Invitae Variant Classification Sherloc (09022015). Collection method: clinical testing. Allele origin: germline.
Comment: In summary, this is a novel missense change with uncertain impact on protein function. It has been classified as a Variant of Uncertain Significance. This variant is not present in population databases (ExAC no frequency) and has not been reported in the literature. This sequence change inserts 3 nucleotides in exon 5 of the SLC40A1 mRNA (c.485_487dupTTG). This leads to the insertion of 1 amino acid residue(s) in the SLC40A1 protein (p.Val162dup) but otherwise preserves the integrity of the reading frame.